The following is an entry in ClinVar:

ClinVar aggregate classification (germline): Likely benign. Review status: criteria provided, multiple submitters, no conflicts (2 of 4 stars). 3 submissions from 3 submitters: Likely benign (2). 1 of the submissions does not count toward it. Last evaluated 2026-01-19.

Conditions:
IL17RA-related disorder. Also called: IL17RA-related condition.
Immunodeficiency 51 (IMD51). Also called: CANDIDIASIS, FAMILIAL, 5. Identifiers: Orphanet 1334, MedGen C4310803, MONDO:0013500, OMIM 613953.

Allele frequency attached by ClinVar (database versions not stated): TOPMed 0.00049; ESP Exome Variant Server 0.00054; 1000 Genomes Project 0.00080; 1000 Genomes Project 30x 0.00094.
gnomAD v4.1: 251 of 1,610,024 alleles (0.016%); highest among the groups gnomAD compares: African/African-American, 0.23%; no homozygotes.

Submissions (3):

Labcorp Genetics (formerly Invitae), Labcorp
Classification: Likely benign for Immunodeficiency 51. Last evaluated: 2026-01-19. Review status: criteria provided, single submitter. Criteria: Invitae Variant Classification Sherloc (09022015). Collection method: clinical testing. Allele origin: germline.

Blueprint Genetics
Classification: Likely benign. Last evaluated: 2024-07-19. Review status: criteria provided, single submitter. Criteria: ACMG Guidelines, 2015. Collection method: clinical testing. Allele origin: germline.

PreventionGenetics, part of Exact Sciences
Classification: Likely benign for IL17RA-related condition. Last evaluated: 2019-10-28. Review status: no assertion criteria provided. Collection method: clinical testing. Allele origin: germline. Not counted in ClinVar's aggregate classification.
Comment: This variant is classified as likely benign based on ACMG/AMP sequence variant interpretation guidelines (Richards et al. 2015 PMID: 25741868, with internal and published modifications).

NM_014339.7(IL17RA):c.2268C>T (p.Phe756=)

Gene: IL17RA (interleukin 17 receptor A; plus strand). Cytogenetic location: 22q11.1.
Variant type: single nucleotide variant.
Coding change: c.2268C>T on transcript NM_014339.7 (MANE Select); coding-DNA position 2268, C replaced by T.
Protein change: p.Phe756=; no amino-acid change (phenylalanine 756 retained).
Molecular consequence: synonymous variant.
Genome position (GRCh38, 1-based): chr22:17,109,487, C>T. VCF-style: chr22-17109487-C-T. GRCh37 (hg19) VCF-style: chr22-17590377-C-T.
Other names: c.2166C>T, p.Phe722= (NM_001289905.2).
Identifiers: ClinVar variation 476363 (VCV000476363.15), dbSNP rs113571926, ClinGen allele CA10086956.